The following is an entry in ClinVar:

NM_019109.5(ALG1):c.523G>A (p.Val175Ile)

Gene: ALG1 (ALG1 chitobiosyldiphosphodolichol beta-mannosyltransferase; plus strand). Cytogenetic location: 16p13.3.
Variant type: single nucleotide variant.
Coding change: c.523G>A on transcript NM_019109.5 (MANE Select); coding-DNA position 523, G replaced by A.
Protein change: p.Val175Ile; replaces valine 175 with isoleucine.
Molecular consequence: missense variant.
Genome position (GRCh38, 1-based): chr16:5,075,520, G>A. VCF-style: chr16-5075520-G-A. GRCh37 (hg19) VCF-style: chr16-5125521-G-A.
Other names: c.190G>A, p.Val64Ile (NM_001330504.2); c.523G>A (NM_019109.4); short protein forms V64I, V175I.
Identifiers: ClinVar variation 2195234 (VCV002195234.4), dbSNP rs762783729, ClinGen allele CA7889854.

ClinVar aggregate classification (germline): Uncertain significance. Review status: criteria provided, multiple submitters, no conflicts (2 of 4 stars). 3 submissions from 3 submitters: Uncertain significance (3). Last evaluated 2025-07-21.

Conditions:
Inborn genetic diseases. Identifiers: MedGen C0950123, MeSH D030342.
ALG1-congenital disorder of glycosylation. Also called: CDG Ik; ALG1-CDG; CONGENITAL DISORDER OF GLYCOSYLATION, TYPE Ik. Identifiers: Orphanet 79327, MedGen C2931005, MONDO:0012052, OMIM 608540.

Allele frequency attached by ClinVar (database versions not stated): gnomAD 0.00001; ExAC 0.00002.
gnomAD v4.1: 9 of 1,613,918 alleles (0.00056%); highest among the groups gnomAD compares: Middle Eastern, 0.033%; no homozygotes.

Submissions (3):

Labcorp Genetics (formerly Invitae), Labcorp
Classification: Uncertain significance for ALG1-congenital disorder of glycosylation. Last evaluated: 2025-07-21. Review status: criteria provided, single submitter. Criteria: Invitae Variant Classification Sherloc (09022015). Collection method: clinical testing. Allele origin: germline.
Comment: This sequence change replaces valine, which is neutral and non-polar, with isoleucine, which is neutral and non-polar, at codon 175 of the ALG1 protein (p.Val175Ile). This variant is present in population databases (rs762783729, gnomAD 0.006%). This variant has not been reported in the literature in individuals affected with ALG1-related conditions. ClinVar contains an entry for this variant (Variation ID: 2195234). Invitae Evidence Modeling of protein sequence and biophysical properties (such as structural, functional, and spatial information, amino acid conservation, physicochemical variation, residue mobility, and thermodynamic stability) indicates that this missense variant is not expected to disrupt ALG1 protein function with a negative predictive value of 80%. In summary, the available evidence is currently insufficient to determine the role of this variant in disease. Therefore, it has been classified as a Variant of Uncertain Significance.

Fulgent Genetics
Classification: Uncertain significance for ALG1-congenital disorder of glycosylation. Last evaluated: 2024-01-07. Review status: criteria provided, single submitter. Criteria: ACMG Guidelines, 2015. Collection method: clinical testing. Allele origin: germline.

Ambry Genetics
Classification: Uncertain significance for Inborn genetic diseases. Last evaluated: 2021-03-25. Review status: criteria provided, single submitter. Criteria: Ambry Variant Classification Scheme 2023. Collection method: clinical testing. Allele origin: germline.
Comment: The c.523G>A (p.V175I) alteration is located in exon 4 (coding exon 4) of the ALG1 gene. This alteration results from a G to A substitution at nucleotide position 523, causing the valine (V) at amino acid position 175 to be replaced by an isoleucine (I). The p.V175I alteration is predicted to be tolerated by in silico analysis. Based on insufficient or conflicting evidence, the clinical significance of this alteration remains unclear.